The following is an entry in ClinVar:

NM_213599.3(ANO5):c.41-1G>A

Gene: ANO5 (anoctamin 5; plus strand). Cytogenetic location: 11p14.3.
Variant type: single nucleotide variant.
Coding change: c.41-1G>A on transcript NM_213599.3 (MANE Select); the canonical splice acceptor site of the intron before coding-DNA position 41, G replaced by A.
Molecular consequence: splice acceptor variant.
Genome position (GRCh38, 1-based): chr11:22,203,803, G>A. VCF-style: chr11-22203803-G-A. GRCh37 (hg19) VCF-style: chr11-22225349-G-A.
Other names: c.41-1G>A (NM_001410963.1, NM_001142649.2, NM_001410964.1).
Identifiers: ClinVar variation 96685 (VCV000096685.56), dbSNP rs398124625, ClinGen allele CA201762.
Genomic context (GRCh38, chr11:22,203,803, plus strand): 5'-TTTGAATATGTTCTGATCAGTGGCTAATTTAACATGTTTTTCTCTTTCTTATTTAATTTA[G>A]GGGAAAAAGTCAATAAGCATATAGACTACTCTTTCCAAATGAGTGAGGTAAGTTAAATAT-3'

ClinVar aggregate classification (germline): Pathogenic. Review status: reviewed by expert panel (3 of 4 stars). 9 submissions from 9 submitters: Pathogenic (1). 8 of the submissions do not count toward it. Last evaluated 2026-02-26.

Conditions:
Autosomal recessive limb-girdle muscular dystrophy type 2L (LGMDR12). Also called: MUSCULAR DYSTROPHY, LIMB-GIRDLE, AUTOSOMAL RECESSIVE 12; Limb-Girdle Muscular Dystrophy R12 Anoctamin-5-Related (LGMD-R12); Limb-girdle muscular dystrophy, type 2L. Identifiers: Orphanet 206549, MedGen C1969785, MONDO:0012652, OMIM 611307.
Gnathodiaphyseal dysplasia (GDD). Also called: GNATHODIAPHYSEAL SCLEROSIS; OSTEOGENESIS IMPERFECTA WITH UNUSUAL SKELETAL LESIONS. Identifiers: Orphanet 53697, MedGen C1833736, MONDO:0008151, OMIM 166260.
ANO5-related disorder. Also called: ANO5-related condition; ANO5-related disorders. Identifiers: MedGen CN239193.
Autosomal recessive limb-girdle muscular dystrophy. Identifiers: Orphanet 102015, MedGen C2931907, MONDO:0015152.

Allele frequency attached by ClinVar (database versions not stated): ExAC 0.00001; gnomAD exomes 0.00001; TOPMed 0.00004; gnomAD 0.00006 and 0.00007.
gnomAD v4.1: 125 of 1,463,632 alleles (0.0085%); highest among the groups gnomAD compares: Non-Finnish European, 0.012%; no homozygotes.

Submissions (9):

ClinGen Limb Girdle Muscular Dystrophy Variant Curation Expert Panel, ClinGen
Classification: Pathogenic for Autosomal recessive limb-girdle muscular dystrophy. Last evaluated: 2026-02-26. Review status: reviewed by expert panel. Criteria: ClinGen LGMD VCEP ACMG Specifications ANO5 V2.0.0. Collection method: curation. Allele origin: germline. Inheritance: Autosomal recessive inheritance.
Comment: The NM_213599.3: c.41-1G>A variant in ANO5 occurs within the canonical splice acceptor site (-1) of intron 1. It is predicted to disrupt the splice acceptor site and strengthen an alternative acceptor site 1 nt into the exon (SpliceAI score 0.92 for acceptor loss, 0.86 for acceptor gain). Use of the alternative acceptor or skipping of biologically relevant exon 2/22 (SpliceAI score 0.15 for donor loss) would result in a frameshift leading to nonsense mediated decay in a gene in which loss of function is an established disease mechanism (PVS1). This variant has been reported in at least three unrelated individuals with features consistent with LGMD (PMID: 35563815, 23607914, GRASP-LGMD Consortium internal data), including in an unknown phase with a pathogenic variant in one individual with progressive limb girdle muscle weakness (c.191dupA p.(Asn64LysfsTer15), 0.5 pts, GRASP-LGMD Consortium internal data communication) (PM3_Supporting, PP4). The Grpmax filtering allele frequency of this variant is 0.0001152 (the upper threshold of the 95% CI of 121/1050270 European (non-Finnish) chromosomes) in gnomAD v4.1.0, which is above the LGMD VCEP threshold (<0.0001) for PM2_Supporting (criterion not met). In summary, this variant meets criteria to be classified as Pathogenic for autosomal recessive limb-girdle muscular dystrophy based on the ACMG/AMP criteria applied, as specified by the ClinGen LGMD VCEP (version 2.0.0; 02/26/2026): PVS1, PM3_Supporting, PP4.

Labcorp Genetics (formerly Invitae), Labcorp
Classification: Pathogenic for Autosomal recessive limb-girdle muscular dystrophy type 2L; Gnathodiaphyseal dysplasia. Last evaluated: 2025-11-05. Review status: criteria provided, single submitter. Criteria: Invitae Variant Classification Sherloc (09022015). Collection method: clinical testing. Allele origin: germline. Not counted in ClinVar's aggregate classification.
Comment: This sequence change affects an acceptor splice site in intron 1 of the ANO5 gene. It is expected to disrupt RNA splicing. Variants that disrupt the donor or acceptor splice site typically lead to a loss of protein function (PMID: 16199547), and loss-of-function variants in ANO5 are known to be pathogenic (PMID: 21186264, 23606453, 25891276, 30919934). This variant is present in population databases (rs398124625, gnomAD 0.004%). Disruption of this splice site has been observed in individual(s) with autosomal recessive limb-girdle muscular dystrophy and hyperCKemia and periodic loss of ambulation (PMID: 23607914; internal data). In at least one individual the data is consistent with being in trans (on the opposite chromosome) from a pathogenic variant. ClinVar contains an entry for this variant (Variation ID: 96685). Algorithms developed to predict the effect of sequence changes on RNA splicing suggest that this variant may disrupt the consensus splice site. For these reasons, this variant has been classified as Pathogenic.

Revvity Omics, Revvity
Classification: Pathogenic. Last evaluated: 2025-04-22. Review status: criteria provided, single submitter. Criteria: ACMG Guidelines, 2015. Collection method: clinical testing. Allele origin: germline. Not counted in ClinVar's aggregate classification.

Blueprint Genetics
Classification: Pathogenic for ANO5-related disorders. Last evaluated: 2022-07-19. Review status: criteria provided, single submitter. Criteria: ACMG Guidelines, 2015. Collection method: clinical testing. Allele origin: germline. Affected: yes. Observed: 4 variant alleles. Not counted in ClinVar's aggregate classification.

CeGaT Center for Human Genetics Tuebingen
Classification: Pathogenic. Last evaluated: 2021-02-01. Review status: criteria provided, single submitter. Criteria: CeGaT Center For Human Genetics Tuebingen Variant Classification Criteria Version 2. Collection method: clinical testing. Allele origin: germline. Affected: yes. Observed: 1 variant allele. Not counted in ClinVar's aggregate classification.

Institute of Medical Genetics and Applied Genomics, University Hospital Tübingen
Classification: Likely pathogenic. Last evaluated: 2020-10-23. Review status: criteria provided, single submitter. Criteria: ACMG Guidelines, 2015. Collection method: clinical testing. Allele origin: germline. Inheritance: Autosomal unknown. Affected: yes. Not counted in ClinVar's aggregate classification.

GeneDx
Classification: Pathogenic. Last evaluated: 2018-07-27. Review status: criteria provided, single submitter. Criteria: GeneDx Variant Classification (06012015). Collection method: clinical testing. Allele origin: germline. Affected: yes. Not counted in ClinVar's aggregate classification.
Comment: The c.41-1G>A pathogenic variant in the ANO5 gene has been reported previously in the compound heterozygous state with another pathogenic variant in an individual with limb-girdle muscular dystrophy (van der Kooi et al., 2013). This splice site variant destroys the canonical splice acceptor site in intron 1. It is predicted to cause abnormal gene splicing, either leading to an abnormal message that is subject to nonsense-mediated mRNA decay, or to an abnormal protein product if the message is used for protein translation. The c.41-1G>A variant was not observed in approximately 6400 individuals of European and African American ancestry in the NHLBI Exome Sequencing Project, indicating it is not a common benign variant in these populations. We interpret c.41-1G>A as a pathogenic variant.

Eurofins Ntd Llc (ga)
Classification: Pathogenic. Last evaluated: 2016-09-14. Review status: criteria provided, single submitter. Criteria: EGL Classification Definitions. Collection method: clinical testing. Allele origin: germline. Observed: 5 variant alleles, 5 heterozygotes. Not counted in ClinVar's aggregate classification.

Athena Diagnostics
Classification: Pathogenic for Limb-girdle muscular dystrophy, type 2L. Last evaluated: 2013-11-08. Review status: criteria provided, single submitter. Criteria: Athena Diagnostics Criteria. Collection method: clinical testing. Allele origin: germline. Inheritance: Autosomal recessive inheritance. Not counted in ClinVar's aggregate classification.

Literature cited by the submitters: PubMed 16199547 (cited by Labcorp Genetics (formerly Invitae), Labcorp); PubMed 21186264 (cited by Labcorp Genetics (formerly Invitae), Labcorp); PubMed 23606453 (cited by Labcorp Genetics (formerly Invitae), Labcorp); PubMed 25891276 (cited by Labcorp Genetics (formerly Invitae), Labcorp); PubMed 30919934 (cited by Labcorp Genetics (formerly Invitae), Labcorp); PubMed 23607914 (cited by Labcorp Genetics (formerly Invitae), Labcorp and Athena Diagnostics).